The following is an entry in ClinVar:

ClinVar aggregate classification (germline): Uncertain significance (1 of 4 stars; one submission).

gnomAD v4.1: 8 of 1,613,994 alleles (0.0005%); highest among the groups gnomAD compares: East Asian, 0.018%; no homozygotes.

Submission:

Labcorp Genetics (formerly Invitae), Labcorp
Classification: Uncertain significance. Last evaluated: 2025-08-01. Review status: criteria provided, single submitter. Criteria: Invitae Variant Classification Sherloc (09022015). Collection method: clinical testing. Allele origin: germline.
Comment: This sequence change replaces leucine, which is neutral and non-polar, with valine, which is neutral and non-polar, at codon 356 of the MYSM1 protein (p.Leu356Val). This variant is present in population databases (rs753579413, gnomAD 0.01%). This variant has not been reported in the literature in individuals affected with MYSM1-related conditions. Invitae Evidence Modeling of protein sequence and biophysical properties (such as structural, functional, and spatial information, amino acid conservation, physicochemical variation, residue mobility, and thermodynamic stability) indicates that this missense variant is not expected to disrupt MYSM1 protein function with a negative predictive value of 80%. In summary, the available evidence is currently insufficient to determine the role of this variant in disease. Therefore, it has been classified as a Variant of Uncertain Significance.

NM_001085487.3(MYSM1):c.1066C>G (p.Leu356Val)

Gene: MYSM1 (Myb like, SWIRM and MPN domains 1; minus strand). Cytogenetic location: 1p32.1.
Variant type: single nucleotide variant.
Coding change: c.1066C>G on transcript NM_001085487.3 (MANE Select); coding-DNA position 1066, C replaced by G.
Protein change: p.Leu356Val; replaces leucine 356 with valine.
Molecular consequence: missense variant.
Genome position (GRCh38, 1-based): chr1:58,681,978, G>C on the plus strand (C>G on the coding strand, the complement: MYSM1 is on the minus strand). VCF-style: chr1-58681978-G-C. GRCh37 (hg19) VCF-style: chr1-59147650-G-C.
Other names: short protein forms L356V.
Identifiers: ClinVar variation 4761536 (VCV004761536.1).